The following is an entry in ClinVar:

ClinVar aggregate classification (germline): Pathogenic (1 of 4 stars; one submission).

Conditions:
Osteogenesis imperfecta type I (OI1). Also called: Lobstein's Disease; Lobstein disease; Classic Non-deforming Osteogenesis Imperfecta with Blue Sclerae; OI, TYPE I; OSTEOGENESIS IMPERFECTA TARDA; OSTEOGENESIS IMPERFECTA WITH BLUE SCLERAE. Identifiers: Orphanet 216796, Orphanet 666, MedGen C0023931, MONDO:0008146, OMIM 166200. Disease mechanism: loss of function.

Submission:

Labcorp Genetics (formerly Invitae), Labcorp
Classification: Pathogenic for Osteogenesis imperfecta type I. Last evaluated: 2024-11-27. Review status: criteria provided, single submitter. Criteria: Invitae Variant Classification Sherloc (09022015). Collection method: clinical testing. Allele origin: germline.
Comment: This sequence change creates a premature translational stop signal (p.Gly254Aspfs*11) in the COL1A1 gene. It is expected to result in an absent or disrupted protein product. Loss-of-function variants in COL1A1 are known to be pathogenic (PMID: 7942841, 9295084, 9443882). This variant is not present in population databases (gnomAD no frequency). This variant has not been reported in the literature in individuals affected with COL1A1-related conditions. For these reasons, this variant has been classified as Pathogenic.

Literature cited by the submitters: PubMed 7942841; PubMed 9295084; PubMed 9443882.

NM_000088.4(COL1A1):c.761del (p.Gly254fs)

Genes: COL1A1 (collagen type I alpha 1 chain; minus strand), LOC126862586 (CDK7 strongly-dependent group 2 enhancer GRCh37_chr17:48273702-48274901; plus strand). Cytogenetic location: 17q21.33.
Variant type: Deletion.
Coding change: c.761del on transcript NM_000088.4 (MANE Select); coding-DNA position 761, one base deleted (G; older notation c.761delG).
Protein change: p.Gly254fs; shifts the reading frame from glycine 254.
Molecular consequence: frameshift variant.
Genome position (GRCh38, 1-based): chr17:50,197,053, C deleted on the plus strand (G on the coding strand, the reverse complement: COL1A1 is on the minus strand); the first of 2 consecutive C bases (chr17:50,197,053-50,197,054); deleting either gives the same sequence. VCF-style (leftmost placement, unchanged base first): chr17-50197052-TC-T. GRCh37 (hg19) VCF-style: chr17-48274413-TC-T.
Other names: short protein forms G254fs.
Identifiers: ClinVar variation 3726145 (VCV003726145.2).